The following is an entry in ClinVar:

ClinVar aggregate classification (germline): Conflicting classifications of pathogenicity. Review status: criteria provided, conflicting classifications (1 of 4 stars). 7 submissions from 7 submitters: Uncertain significance (2); Benign (2); Likely benign (2). 1 of the submissions does not count toward it. Last evaluated 2026-03-01.

Conditions:
Pontocerebellar hypoplasia type 6 (PCH6). Identifiers: Orphanet 166073, MedGen C1969084, MONDO:0012683, OMIM 611523.

Allele frequency attached by ClinVar (database versions not stated): 1000 Genomes Project 30x 0.00016; 1000 Genomes Project 0.00020; ESP Exome Variant Server 0.00092; TOPMed 0.00105.
gnomAD v4.1: 1,727 of 1,610,434 alleles (0.11%); highest among the groups gnomAD compares: Non-Finnish European, 0.095%; 2 homozygotes.

Submissions (7):

CeGaT Center for Human Genetics Tuebingen
Classification: Likely benign. Last evaluated: 2026-03-01. Review status: criteria provided, single submitter. Criteria: CeGaT Center For Human Genetics Tuebingen Variant Classification Criteria Version 2. Collection method: clinical testing. Allele origin: germline. Affected: yes. Observed: 8 variant alleles.
Comment: RARS2: BP4, BP7

Labcorp Genetics (formerly Invitae), Labcorp
Classification: Benign. Last evaluated: 2026-02-02. Review status: criteria provided, single submitter. Criteria: Invitae Variant Classification Sherloc (09022015). Collection method: clinical testing. Allele origin: germline.

Blueprint Genetics
Classification: Likely benign. Last evaluated: 2024-11-25. Review status: criteria provided, single submitter. Criteria: ACMG Guidelines, 2015. Collection method: clinical testing. Allele origin: germline.

Illumina Laboratory Services, Illumina
Classification: Uncertain significance for Pontocerebellar hypoplasia type 6. Last evaluated: 2018-01-13. Review status: criteria provided, single submitter. Criteria: ICSL Variant Classification Criteria 13 December 2019. Collection method: clinical testing. Allele origin: germline.

Genetic Services Laboratory, University of Chicago
Classification: Uncertain significance. Last evaluated: 2015-07-28. Review status: criteria provided, single submitter. Criteria: ACMG Guidelines, 2015. Collection method: clinical testing. Allele origin: germline.

GeneDx
Classification: Benign. Last evaluated: 2013-05-08. Review status: criteria provided, single submitter. Criteria: GeneDx Variant Classification (06012015). Collection method: clinical testing. Allele origin: germline. Affected: yes.
Comment: This variant is considered likely benign or benign based on one or more of the following criteria: it is a conservative change, it occurs at a poorly conserved position in the protein, it is predicted to be benign by multiple in silico algorithms, and/or has population frequency not consistent with disease.

Natera, Inc.
Classification: Likely benign for Pontocerebellar hypoplasia, type 6. Last evaluated: 2019-10-24. Review status: no assertion criteria provided. Collection method: clinical testing. Allele origin: germline. Not counted in ClinVar's aggregate classification.

NM_020320.5(RARS2):c.888G>C (p.Thr296=)

Gene: RARS2 (arginyl-tRNA synthetase 2, mitochondrial; minus strand). Cytogenetic location: 6q15.
Variant type: single nucleotide variant.
Coding change: c.888G>C on transcript NM_020320.5 (MANE Select); coding-DNA position 888, G replaced by C.
Protein change: p.Thr296=; no amino-acid change (threonine 296 retained).
Molecular consequence: synonymous variant. On other transcripts: non-coding transcript variant (23).
Genome position (GRCh38, 1-based): chr6:87,524,643, C>G on the plus strand (G>C on the coding strand, the complement: RARS2 is on the minus strand). VCF-style: chr6-87524643-C-G. GRCh37 (hg19) VCF-style: chr6-88234361-C-G.
Other names: p.T296T:ACG>ACC; c.363G>C, p.Thr121= (NM_001318785.2, NM_001350506.2, NM_001350507.2 and 4 more transcripts); c.888G>C, p.Thr296= (NM_001350505.2).
Identifiers: ClinVar variation 138896 (VCV000138896.57), dbSNP rs145189950, ClinGen allele CA319713.